The following is an entry in ClinVar:

NM_000263.4(NAGLU):c.886C>A (p.Leu296Met)

Gene: NAGLU (N-acetyl-alpha-glucosaminidase; plus strand). Cytogenetic location: 17q21.2.
Variant type: single nucleotide variant.
Coding change: c.886C>A on transcript NM_000263.4 (MANE Select); coding-DNA position 886, C replaced by A.
Protein change: p.Leu296Met; replaces leucine 296 with methionine.
Molecular consequence: missense variant.
Genome position (GRCh38, 1-based): chr17:42,541,071, C>A. VCF-style: chr17-42541071-C-A. GRCh37 (hg19) VCF-style: chr17-40693089-C-A.
Other names: short protein forms L296M.
Identifiers: ClinVar variation 2127683 (VCV002127683.5), dbSNP rs1328217490, ClinGen allele CA399600140.

ClinVar aggregate classification (germline): Uncertain significance. Review status: criteria provided, multiple submitters, no conflicts (2 of 4 stars). 2 submissions from 2 submitters: Uncertain significance (2). Last evaluated 2024-09-22.

Conditions:
Mucopolysaccharidosis, MPS-III-B (MPS3B). Also called: N-ACETYL-ALPHA-D-GLUCOSAMINIDASE DEFICIENCY; NAGLU DEFICIENCY; SANFILIPPO SYNDROME B; MPS III B; MUCOPOLYSACCHARIDOSIS, TYPE IIIB; MPS IIIB (Sanfilippo Syndrome Type B). Identifiers: Orphanet 79270, MedGen C0086648, MONDO:0009656, OMIM 252920.
Charcot-Marie-Tooth disease axonal type 2V. Also called: CHARCOT-MARIE-TOOTH NEUROPATHY, TYPE 2V; CHARCOT-MARIE-TOOTH DISEASE, AXONAL, AUTOSOMAL DOMINANT, TYPE 2V. Identifiers: Orphanet 447964, MedGen C5569050, MONDO:0014665, OMIM 616491.

Allele frequency attached by ClinVar (database versions not stated): TOPMed below 0.00001.

Submissions (2):

Genomic Medicine Center of Excellence, King Faisal Specialist Hospital and Research Centre
Classification: Uncertain significance for Mucopolysaccharidosis, MPS-III-B. Last evaluated: 2024-09-22. Review status: criteria provided, single submitter. Criteria: ACMG Guidelines, 2015. Collection method: clinical testing. Allele origin: germline.

Labcorp Genetics (formerly Invitae), Labcorp
Classification: Uncertain significance for Charcot-Marie-Tooth disease axonal type 2V; Mucopolysaccharidosis, MPS-III-B. Last evaluated: 2022-10-17. Review status: criteria provided, single submitter. Criteria: Invitae Variant Classification Sherloc (09022015). Collection method: clinical testing. Allele origin: germline.
Comment: In summary, the available evidence is currently insufficient to determine the role of this variant in disease. Therefore, it has been classified as a Variant of Uncertain Significance. This sequence change replaces leucine, which is neutral and non-polar, with methionine, which is neutral and non-polar, at codon 296 of the NAGLU protein (p.Leu296Met). This variant is not present in population databases (gnomAD no frequency). This variant has not been reported in the literature in individuals affected with NAGLU-related conditions. Advanced modeling of protein sequence and biophysical properties (such as structural, functional, and spatial information, amino acid conservation, physicochemical variation, residue mobility, and thermodynamic stability) has been performed at Invitae for this missense variant, however the output from this modeling did not meet the statistical confidence thresholds required to predict the impact of this variant on NAGLU protein function.